The following is an entry in ClinVar:

NC_000016.9:g.(?_14530574)_(14530649_?)dup

Gene: PARN (poly(A)-specific ribonuclease; minus strand). Cytogenetic location: 16p13.12.
Variant type: Duplication.
Identifiers: ClinVar variation 2424492 (VCV002424492.8).

ClinVar aggregate classification (germline): Uncertain significance (1 of 4 stars; one submission).

Conditions:
Dyskeratosis congenita, autosomal recessive 6 (DKCB6). Identifiers: MedGen C4225356, MONDO:0014600, OMIM 616353.
Pulmonary fibrosis and/or bone marrow failure, Telomere-related, 4. Also called: PULMONARY FIBROSIS AND/OR BONE MARROW FAILURE SYNDROME, TELOMERE-RELATED, 4. Identifiers: Orphanet 2032, MedGen C4225347, MONDO:0014612, OMIM 616371.

Submission:

Labcorp Genetics (formerly Invitae), Labcorp
Classification: Uncertain significance for Dyskeratosis congenita, autosomal recessive 6; Pulmonary fibrosis and/or bone marrow failure, Telomere-related, 4. Last evaluated: 2022-10-19. Review status: criteria provided, single submitter. Criteria: Invitae Variant Classification Sherloc (09022015). Collection method: clinical testing. Allele origin: germline.
Comment: This variant results in a copy number gain of the genomic region encompassing exon(s) 24 of the PARN gene. This region includes the termination codon of the gene. This copy number gain extends beyond the assayed region for this gene and therefore may encompass additional genes. As the precise location of this event is unknown, it may be in tandem or it may be located elsewhere in the genome. This variant has not been reported in the literature in individuals affected with PARN-related conditions. In summary, the available evidence is currently insufficient to determine the role of this variant in disease. Therefore, it has been classified as a Variant of Uncertain Significance.